The following is an entry in ClinVar:

ClinVar aggregate classification (germline): Pathogenic/Likely pathogenic. Review status: criteria provided, multiple submitters, no conflicts (2 of 4 stars). 6 submissions from 6 submitters: Pathogenic (4); Likely pathogenic (1). 1 of the submissions does not count toward it. Last evaluated 2026-07-16.

Conditions:
PKD1-related disorder. Also called: PKD1-related condition.
Polycystic kidney disease. Also called: Kidney, Polycystic; Polycystic kidney dysplasia. Identifiers: MedGen C0022680, MeSH D007690, MONDO:0020642, HP:0000113.
Polycystic kidney disease, adult type (PKD1). Also called: Polycystic Kidney Disease 1, Autosomal Dominant; Polycystic kidney disease 1; Polycystic kidney disease 1, severe; POLYCYSTIC KIDNEY DISEASE 1 WITH OR WITHOUT POLYCYSTIC LIVER DISEASE; POLYCYSTIC KIDNEY DISEASE, ADULT, TYPE I; Polycystic Kidney, Autosomal Dominant. Identifiers: MedGen C3149841, MONDO:0008263, OMIM 173900.

Allele frequency attached by ClinVar (database versions not stated): TOPMed below 0.00001.

Submissions (6):

Women's Health and Genetics/Laboratory Corporation of America, LabCorp
Classification: Pathogenic for Polycystic kidney disease, adult type. Last evaluated: 2026-07-16. Review status: criteria provided, single submitter. Criteria: LabCorp Variant Classification Summary - May 2015. Collection method: clinical testing. Allele origin: germline.
Comment: Variant summary: PKD1 c.6574_6580delACCGCCA (p.Thr2192AlafsX18) results in a premature termination codon, predicted to cause a truncation of the encoded protein or absence of the protein due to nonsense mediated decay, which are commonly known mechanisms for disease. Loss-of-function variants in this gene are known to be pathogenic. The variant was absent in 166888 control chromosomes. c.6574_6580delACCGCCA has been observed in an individual affected with Autosomal Dominat Polycystic kidney disease 1 (Roelfsema_1997). To our knowledge, no experimental evidence demonstrating an impact on protein function has been reported. The following publication have been ascertained in the context of this evaluation (PMID: 9345095). ClinVar contains an entry for this variant (Variation ID: 997154). Based on the evidence outlined above, the variant was classified as pathogenic.

GeneDx
Classification: Pathogenic. Last evaluated: 2026-04-03. Review status: criteria provided, single submitter. Criteria: GeneDx Variant Classification Process June 2021. Collection method: clinical testing. Allele origin: germline.
Comment: Frameshift variant predicted to result in protein truncation or nonsense mediated decay in a gene for which loss of function is a known mechanism of disease; Not observed at significant frequency in large population cohorts (gnomAD); This variant is associated with the following publications: (PMID: 9345095, 22508176, 29529603)

Blueprint Genetics
Classification: Pathogenic for PKD1-related disorders. Last evaluated: 2024-02-12. Review status: criteria provided, single submitter. Criteria: ACMG Guidelines, 2015. Collection method: clinical testing. Allele origin: germline. Affected: yes. Observed: 3 variant alleles.

Clinical Genetics Laboratory, Skane University Hospital Lund
Classification: Likely pathogenic. Last evaluated: 2023-11-20. Review status: criteria provided, single submitter. Criteria: ACMG Guidelines, 2015. Collection method: clinical testing. Allele origin: germline. Affected: yes.

Juno Genomics, Hangzhou Juno Genomics, Inc
Classification: Pathogenic for Polycystic kidney disease, adult type. Review status: criteria provided, single submitter. Criteria: ACMG Guidelines, 2015. Collection method: clinical testing. Allele origin: germline. Affected: yes.
Comment: Null variant in a gene where loss of function (LOF) is a known mechanism of disease.;Absent from controls (or at extremely low frequency if recessive) in Genome Aggregation Database, Exome Sequencing Project, 1000 Genomes Project, or Exome Aggregation Consortium.;The prevalence of the variant in affected individuals is significantly increased compared to the prevalence in controls.

Department of Pathology and Laboratory Medicine, Sinai Health System
Classification: Pathogenic for Polycystic Kidney disease. Review status: no assertion criteria provided. Collection method: clinical testing. Allele origin: unknown. Affected: yes. Observed: 1 variant allele. Study: The Canadian Open Genetics Repository (COGR). Not counted in ClinVar's aggregate classification.
Comment: The PKD1 p.Thr2192AlafsX18 variant was identified in 3 of 270 proband chromosomes (frequency: 0.011) from individuals or families with patients with ADPKD. (Roelfsema_1997_9345095). The variant was also identified in LOVD 3.0 (reported 1x, as "affects function", confirmed by DNA and RNA) and ADPKD Mutation Database (reported as "definitely pathogenic"). The variant was not identified in dbSNP, ClinVar, Clinvitae and PKD1-LOVD databases. The variant was not identified in the following control databases: the 1000 Genomes Project, the NHLBI GO Exome Sequencing Project, the Exome Aggregation Consortium (August 8th 2016), or the Genome Aggregation Database (Feb 27, 2017). The c.6574_6580del variant is predicted to cause a frameshift, which alters the protein amino acid sequence beginning at codon 2192 and leads to a premature stop codon 18 codons downstream. This alteration is then predicted to result in a truncated or absent protein and loss of function. Loss of function variants of the PKD1 gene are an established mechanism of disease in ADPKD and is the type of variant expected to cause the disorder. In summary, based on the above information this variant meets our laboratoryâ€šÃ„Ã´s criteria to be classified as pathogenic.

Literature cited by the submitters: PubMed 9345095 (cited by Women's Health and Genetics/Laboratory Corporation of America, LabCorp).

NM_001009944.3(PKD1):c.6574_6580del (p.Thr2192fs)

Gene: PKD1 (polycystin 1, transient receptor potential channel interacting; minus strand). Cytogenetic location: 16p13.3.
Variant type: Deletion.
Coding change: c.6574_6580del on transcript NM_001009944.3 (MANE Select); coding-DNA positions 6574 to 6580, 7 bases deleted (ACCGCCA; older notation c.6574_6580delACCGCCA).
Protein change: p.Thr2192fs; shifts the reading frame from threonine 2192.
Molecular consequence: frameshift variant.
Genome position (GRCh38, 1-based): chr16:2,108,587-2,108,593, TGGCGGT deleted on the plus strand (ACCGCCA on the coding strand, the reverse complement: PKD1 is on the minus strand). VCF-style (leftmost placement, unchanged base first): chr16-2108586-CTGGCGGT-C. GRCh37 (hg19) VCF-style: chr16-2158587-CTGGCGGT-C.
Other names: c.6574_6580delACCGCCA (NM_001009944.3); c.6574_6580del, p.Thr2192fs (NM_000296.4); short protein forms T2192fs.
Identifiers: ClinVar variation 997154 (VCV000997154.7), dbSNP rs2092420672, ClinGen allele CA2202045685.
Genomic context (GRCh38, chr16:2,108,586, plus strand): 5'-GGCCGGCTCACGTCCACGCCGGGCAGGGCCACACGCGCTGGGCGCCCCGGCCGCTGGCAG[CTGGCGGT>C]GCGATACACCTCCCAGCGGTACTCAGTCTGGTAGGTGACGCAGTCGCGCAGGTCAACGTG-3'